The following is an entry in ClinVar:

ClinVar aggregate classification (germline): Uncertain significance. Review status: criteria provided, multiple submitters, no conflicts (2 of 4 stars). 4 submissions from 4 submitters: Uncertain significance (4). Last evaluated 2024-02-28.

Conditions:
FAT1-related disorder. Also called: FAT1-related condition.
Inborn genetic diseases. Identifiers: MedGen C0950123, MeSH D030342.

Allele frequency attached by ClinVar (database versions not stated): gnomAD exomes 0.00006 and 0.00008; ExAC 0.00008; gnomAD 0.00010 and 0.00011; TOPMed 0.00011; ESP Exome Variant Server 0.00016.
gnomAD v4.1: 109 of 1,613,948 alleles (0.0068%); highest among the groups gnomAD compares: African/African-American, 0.031%; no homozygotes.

Submissions (4):

Ambry Genetics
Classification: Uncertain significance for Inborn genetic diseases. Last evaluated: 2024-02-28. Review status: criteria provided, single submitter. Criteria: Ambry Variant Classification Scheme 2023. Collection method: clinical testing. Allele origin: germline.

PreventionGenetics, part of Exact Sciences
Classification: Uncertain significance for FAT1-related condition. Last evaluated: 2022-12-20. Review status: criteria provided, single submitter. Criteria: ACMG Guidelines, 2015. Collection method: clinical testing. Allele origin: germline.
Comment: The FAT1 c.8722G>A variant is predicted to result in the amino acid substitution p.Val2908Ile. To our knowledge, this variant has not been reported in the literature. This variant is reported in 0.037% of alleles in individuals of African descent in gnomAD. At this time, the clinical significance of this variant is uncertain due to the absence of conclusive functional and genetic evidence.

Labcorp Genetics (formerly Invitae), Labcorp
Classification: Uncertain significance. Last evaluated: 2022-05-04. Review status: criteria provided, single submitter. Criteria: Invitae Variant Classification Sherloc (09022015). Collection method: clinical testing. Allele origin: germline.
Comment: This sequence change replaces valine, which is neutral and non-polar, with isoleucine, which is neutral and non-polar, at codon 2908 of the FAT1 protein (p.Val2908Ile). This variant is present in population databases (rs374444088, gnomAD 0.04%). This variant has not been reported in the literature in individuals affected with FAT1-related conditions. ClinVar contains an entry for this variant (Variation ID: 1308464). Algorithms developed to predict the effect of missense changes on protein structure and function are either unavailable or do not agree on the potential impact of this missense change (SIFT: "Deleterious"; PolyPhen-2: "Benign"; Align-GVGD: "Class C25"). In summary, the available evidence is currently insufficient to determine the role of this variant in disease. Therefore, it has been classified as a Variant of Uncertain Significance.

GeneDx
Classification: Uncertain significance. Last evaluated: 2019-03-30. Review status: criteria provided, single submitter. Criteria: GeneDx Variant Classification Process June 2021. Collection method: clinical testing. Allele origin: germline. Affected: yes.
Comment: In silico analysis, which includes protein predictors and evolutionary conservation, supports that this variant does not alter protein structure/function; Has not been previously published as pathogenic or benign to our knowledge; Variants in candidate genes are classified as variants of uncertain significance in accordance with ACMG guidelines (Richards et al., 2015)

NM_005245.4(FAT1):c.8722G>A (p.Val2908Ile)

Genes: FAT1 (FAT atypical cadherin 1; minus strand), LOC126807255 (BRD4-independent group 4 enhancer GRCh37_chr4:187538202-187539401; plus strand). Cytogenetic location: 4q35.2.
Variant type: single nucleotide variant.
Coding change: c.8722G>A on transcript NM_005245.4 (MANE Select); coding-DNA position 8722, G replaced by A.
Protein change: p.Val2908Ile; replaces valine 2908 with isoleucine.
Molecular consequence: missense variant.
Genome position (GRCh38, 1-based): chr4:186,617,864, C>T on the plus strand (G>A on the coding strand, the complement: FAT1 is on the minus strand). VCF-style: chr4-186617864-C-T. GRCh37 (hg19) VCF-style: chr4-187539018-C-T.
Other names: short protein forms V2908I.
Identifiers: ClinVar variation 1308464 (VCV001308464.8), dbSNP rs374444088, ClinGen allele CA3165836.